The following is an entry in ClinVar:

NM_004183.4(BEST1):c.671T>C (p.Leu224Pro)

Gene: BEST1 (bestrophin 1; plus strand). Cytogenetic location: 11q12.3.
Variant type: single nucleotide variant.
Coding change: c.671T>C on transcript NM_004183.4 (MANE Select); coding-DNA position 671, T replaced by C.
Protein change: p.Leu224Pro; replaces leucine 224 with proline.
Molecular consequence: missense variant. On other transcripts: non-coding transcript variant (1).
Genome position (GRCh38, 1-based): chr11:61,957,421, T>C. VCF-style: chr11-61957421-T-C. GRCh37 (hg19) VCF-style: chr11-61724893-T-C.
Other names: c.491T>C, p.Leu164Pro (NM_001139443.3, NM_001300786.2, NM_001300787.2); c.353T>C, p.Leu118Pro (NM_001363591.3); c.671T>C, p.Leu224Pro (NM_001363592.2); c.-505T>C (NM_001363593.3); short protein forms L224P, L118P, L164P.
Identifiers: ClinVar variation 99741 (VCV000099741.9), dbSNP rs281865243, ClinGen allele CA227803.

ClinVar aggregate classification (germline): Pathogenic. Review status: criteria provided, single submitter (1 of 4 stars). 2 submissions from 2 submitters: Pathogenic (1). 1 of the submissions does not count toward it. Last evaluated 2024-11-11.

Submissions (2):

Labcorp Genetics (formerly Invitae), Labcorp
Classification: Pathogenic. Last evaluated: 2024-11-11. Review status: criteria provided, single submitter. Criteria: Invitae Variant Classification Sherloc (09022015). Collection method: clinical testing. Allele origin: germline.
Comment: This sequence change replaces leucine, which is neutral and non-polar, with proline, which is neutral and non-polar, at codon 224 of the BEST1 protein (p.Leu224Pro). This variant is not present in population databases (gnomAD no frequency). This missense change has been observed in individuals with autosomal dominant Best vitelliform macular dystrophy (PMID: 10798642, 32239196; internal data). ClinVar contains an entry for this variant (Variation ID: 99741). Invitae Evidence Modeling of protein sequence and biophysical properties (such as structural, functional, and spatial information, amino acid conservation, physicochemical variation, residue mobility, and thermodynamic stability) indicates that this missense variant is expected to disrupt BEST1 protein function with a positive predictive value of 95%. This variant disrupts the p.Leu224 amino acid residue in BEST1. Other variant(s) that disrupt this residue have been determined to be pathogenic (internal data). This suggests that this residue is clinically significant, and that variants that disrupt this residue are likely to be disease-causing. For these reasons, this variant has been classified as Pathogenic.

Retina International
No classification provided. Review status: no classification provided. Collection method: not provided. Allele origin: not provided. Not counted in ClinVar's aggregate classification.

Literature cited by the submitters: PubMed 10798642 (cited by Labcorp Genetics (formerly Invitae), Labcorp); PubMed 32239196 (cited by Labcorp Genetics (formerly Invitae), Labcorp).